The following is an entry in ClinVar:

ClinVar aggregate classification (germline): Uncertain significance. Review status: criteria provided, multiple submitters, no conflicts (2 of 4 stars). 2 submissions from 2 submitters: Uncertain significance (2). Last evaluated 2026-05-04.

Conditions:
Hereditary cancer-predisposing syndrome. Also called: Tumor predisposition; Hereditary neoplastic syndrome; Neoplastic Syndromes, Hereditary; Hereditary Cancer Syndrome. Identifiers: Orphanet 140162, MedGen C0027672, MeSH D009386, MONDO:0015356.
Tuberous sclerosis 1 (TSC1). Identifiers: Orphanet 805, MedGen C1854465, MONDO:0008612, OMIM 191100.

gnomAD v4.1: 1 of 1,614,212 alleles (0.000062%); no homozygotes.

Submissions (2):

Ambry Genetics
Classification: Uncertain significance for Hereditary cancer-predisposing syndrome. Last evaluated: 2026-05-04. Review status: criteria provided, single submitter. Criteria: Ambry Variant Classification Scheme 2023. Collection method: clinical testing. Allele origin: germline.
Comment: The p.S1102C variant (also known as c.3304A>T), located in coding exon 21 of the TSC1 gene, results from an A to T substitution at nucleotide position 3304. The serine at codon 1102 is replaced by cysteine, an amino acid with dissimilar properties. This amino acid position is conserved. In addition, the in silico prediction for this alteration is inconclusive. Based on the available evidence, the clinical significance of this variant remains unclear.

Labcorp Genetics (formerly Invitae), Labcorp
Classification: Uncertain significance for Tuberous sclerosis 1. Last evaluated: 2023-09-19. Review status: criteria provided, single submitter. Criteria: Invitae Variant Classification Sherloc (09022015). Collection method: clinical testing. Allele origin: germline.
Comment: This sequence change replaces serine, which is neutral and polar, with cysteine, which is neutral and slightly polar, at codon 1102 of the TSC1 protein (p.Ser1102Cys). This variant is not present in population databases (gnomAD no frequency). This variant has not been reported in the literature in individuals affected with TSC1-related conditions. Advanced modeling of protein sequence and biophysical properties (such as structural, functional, and spatial information, amino acid conservation, physicochemical variation, residue mobility, and thermodynamic stability) performed at Invitae indicates that this missense variant is not expected to disrupt TSC1 protein function. In summary, the available evidence is currently insufficient to determine the role of this variant in disease. Therefore, it has been classified as a Variant of Uncertain Significance.

NM_000368.5(TSC1):c.3304A>T (p.Ser1102Cys)

Gene: TSC1 (TSC complex subunit 1; minus strand). Cytogenetic location: 9q34.13.
Variant type: single nucleotide variant.
Coding change: c.3304A>T on transcript NM_000368.5 (MANE Select); coding-DNA position 3304, A replaced by T.
Protein change: p.Ser1102Cys; replaces serine 1102 with cysteine.
Molecular consequence: missense variant. On other transcripts: non-coding transcript variant (5).
Genome position (GRCh38, 1-based): chr9:132,896,426, T>A on the plus strand (A>T on the coding strand, the complement: TSC1 is on the minus strand). VCF-style: chr9-132896426-T-A. GRCh37 (hg19) VCF-style: chr9-135771813-T-A.
Other names: c.2941A>T, p.Ser981Cys (NM_001406618.1, NM_001406619.1, NM_001406614.1 and 4 more transcripts); c.2938A>T, p.Ser980Cys (NM_001406620.1, NM_001406621.1, NM_001406622.1 and 1 more transcripts); c.2899A>T, p.Ser967Cys (NM_001406624.1); c.2896A>T, p.Ser966Cys (NM_001406625.1); c.2353A>T, p.Ser785Cys (NM_001406626.1); c.2350A>T, p.Ser784Cys (NM_001406627.1, NM_001406628.1); c.2251A>T, p.Ser751Cys (NM_001406629.1, NM_001406630.1); c.3301A>T, p.Ser1101Cys (NM_001162426.2, NM_001406600.1, NM_001406597.1 and 2 more transcripts); and 8 more; short protein forms S1050C, S1088C, S1101C, S785C, S980C, S1036C, S1087C, S1096C.
Identifiers: ClinVar variation 2761825 (VCV002761825.4), dbSNP rs2131595437, ClinGen allele CA375366664.
Genomic context (GRCh38, chr9:132,896,426, plus strand): 5'-CCAGTTCTGTCTTTAGGCTCTCAGAAAGGCTACTGGTCATGCCGTCCTCATCACACTGGC[T>A]CTCGCTCTTATTACGAAATAACTCTCGAGCCTTCATACCCAGGAAGCTTTTTGAACTGGG-3'
Protein context (NP_000359.1, residues 1092-1112): ARELFRNKSE[Ser1102Cys]QCDEDGMTSS